The following is an entry in ClinVar:

NM_000219.6(KCNE1):c.293G>C (p.Arg98Pro)

Gene: KCNE1 (potassium voltage-gated channel subfamily E regulatory subunit 1; minus strand). Cytogenetic location: 21q22.12.
Variant type: single nucleotide variant.
Coding change: c.293G>C on transcript NM_000219.6 (MANE Select); coding-DNA position 293, G replaced by C.
Protein change: p.Arg98Pro; replaces arginine 98 with proline.
Molecular consequence: missense variant.
Genome position (GRCh38, 1-based): chr21:34,449,342, C>G on the plus strand (G>C on the coding strand, the complement: KCNE1 is on the minus strand). VCF-style: chr21-34449342-C-G. GRCh37 (hg19) VCF-style: chr21-35821640-C-G.
Other names: c.293G>C, p.Arg98Pro (NM_001127668.4, NM_001127669.4, NM_001127670.4 and 4 more transcripts); short protein forms R98P.
Identifiers: ClinVar variation 2631186 (VCV002631186.5), dbSNP rs150454912, ClinGen allele CA410198089.

ClinVar aggregate classification (germline): Conflicting classifications of pathogenicity. Review status: criteria provided, conflicting classifications (1 of 4 stars). 2 submissions from 2 submitters: Likely pathogenic (1); Uncertain significance (1). Last evaluated 2025-07-09.

Conditions:
KCNE1-related disorder. Also called: KCNE1-related condition.
Long QT syndrome (LQTS). Identifiers: MedGen C0023976, MeSH D008133, MONDO:0002442. Disease mechanism: loss of function. Inheritance: Various modes of inheritance.

Submissions (3):

PreventionGenetics, part of Exact Sciences
Classification: Uncertain significance for KCNE1-related condition. Last evaluated: 2025-07-09. Review status: criteria provided, single submitter. Criteria: ACMG Guidelines, 2015. Collection method: clinical testing. Allele origin: germline.
Comment: The KCNE1 c.293G>C variant is predicted to result in the amino acid substitution p.Arg98Pro. To our knowledge, this variant has not been reported in the literature or in a large population database (gnomAD), indicating this variant is rare. At this time, the clinical significance of this variant is uncertain due to the absence of conclusive functional and genetic evidence.

Labcorp Genetics (formerly Invitae), Labcorp
Classification: Likely pathogenic for Long QT syndrome. Last evaluated: 2025-05-05. Review status: criteria provided, single submitter. Criteria: Invitae Variant Classification Sherloc (09022015). Collection method: clinical testing. Allele origin: germline.
Comment: This sequence change replaces arginine, which is basic and polar, with proline, which is neutral and non-polar, at codon 98 of the KCNE1 protein (p.Arg98Pro). This variant is not present in population databases (gnomAD no frequency). This variant has not been reported in the literature in individuals affected with KCNE1-related conditions. ClinVar contains an entry for this variant (Variation ID: 2631186). Invitae Evidence Modeling of protein sequence and biophysical properties (such as structural, functional, and spatial information, amino acid conservation, physicochemical variation, residue mobility, and thermodynamic stability) indicates that this missense variant is expected to disrupt KCNE1 protein function with a positive predictive value of 95%. This variant disrupts the p.Arg98 amino acid residue in KCNE1. Other variant(s) that disrupt this residue have been determined to be pathogenic (PMID: 10973849, 16922724, 17341399, 21070882, 30530868, 32058015). This suggests that this residue is clinically significant, and that variants that disrupt this residue are likely to be disease-causing. In summary, the currently available evidence indicates that the variant is pathogenic, but additional data are needed to prove that conclusively. Therefore, this variant has been classified as Likely Pathogenic.

Roden Lab, Vanderbilt University Medical Center
No classification provided (evidence only). Condition: Long QT syndrome 5. Review status: no classification provided. Collection method: in vitro. Allele origin: not applicable. Functional consequence: Effect on ion channel function. Not counted in ClinVar's aggregate classification.
ClinVar note: "not provided" was previously submitted as the classification for the variant. However, the classification appeared to be based only on an observation of functional data so it was converted to no classification on 2025-07-30.

Literature cited by the submitters: PubMed 10973849 (cited by Labcorp Genetics (formerly Invitae), Labcorp); PubMed 16922724 (cited by Labcorp Genetics (formerly Invitae), Labcorp); PubMed 17341399 (cited by Labcorp Genetics (formerly Invitae), Labcorp); PubMed 21070882 (cited by Labcorp Genetics (formerly Invitae), Labcorp); PubMed 30530868 (cited by Labcorp Genetics (formerly Invitae), Labcorp); PubMed 32058015 (cited by Labcorp Genetics (formerly Invitae), Labcorp).